The following is an entry in ClinVar:

NM_001033855.3(DCLRE1C):c.718G>T (p.Glu240Ter)

Gene: DCLRE1C (DNA cross-link repair 1C; minus strand). Cytogenetic location: 10p13.
Variant type: single nucleotide variant.
Coding change: c.718G>T on transcript NM_001033855.3 (MANE Select); coding-DNA position 718, G replaced by T.
Protein change: p.Glu240Ter; replaces glutamic acid 240 with a stop codon.
Molecular consequence: nonsense. On other transcripts: non-coding transcript variant (4).
Genome position (GRCh38, 1-based): chr10:14,932,916, C>A on the plus strand (G>T on the coding strand, the complement: DCLRE1C is on the minus strand). VCF-style: chr10-14932916-C-A. GRCh37 (hg19) VCF-style: chr10-14974915-C-A.
Other names: c.358G>T, p.Glu120Ter (NM_001033857.3, NM_001033858.3, NM_001289077.2 and 2 more transcripts); c.373G>T, p.Glu125Ter (NM_001289076.2, NM_001289078.2, NM_001350966.2 and 1 more transcripts); c.718G>T, p.Glu240Ter (NM_001350965.2); short protein forms E120*, E125*, E240*.
Identifiers: ClinVar variation 4814556 (VCV004814556.1).

ClinVar aggregate classification (germline): Likely pathogenic (1 of 4 stars; one submission).

Conditions:
Athabaskan severe combined immunodeficiency (SCIDA). Also called: Severe combined immunodeficiency, athabascan-type. Identifiers: MedGen C1865370.

gnomAD v4.1: 5 of 1,614,086 alleles (0.00031%); highest among the groups gnomAD compares: African/African-American, 0.0067%; no homozygotes.

Submission:

Natera, Inc.
Classification: Likely pathogenic for Athabascan severe combined immunodeficiency. Last evaluated: 2025-06-17. Review status: criteria provided, single submitter. Criteria: Natera Variant Classification Schema (03/2026). Collection method: clinical testing. Allele origin: germline.
Comment: The c.718G>T variant in DCLRE1C is a nonsense variant predicted to introduce a stop codon at amino acid 240. This variant is expected to result in nonsense mediated decay, truncation, or a dysfunctional protein product. This variant is rare in the general population with a frequency below the threshold expected for the associated phenotype(s). Given the available evidence, this variant is classified as Likely Pathogenic.